The following is an entry in ClinVar:

NM_020699.4(GATAD2B):c.673C>T (p.Leu225Phe)

Gene: GATAD2B (GATA zinc finger domain containing 2B; minus strand). Cytogenetic location: 1q21.3.
Variant type: single nucleotide variant.
Coding change: c.673C>T on transcript NM_020699.4 (MANE Select); coding-DNA position 673, C replaced by T.
Protein change: p.Leu225Phe; replaces leucine 225 with phenylalanine.
Molecular consequence: missense variant.
Genome position (GRCh38, 1-based): chr1:153,818,096, G>A on the plus strand (C>T on the coding strand, the complement: GATAD2B is on the minus strand). VCF-style: chr1-153818096-G-A. GRCh37 (hg19) VCF-style: chr1-153790572-G-A.
Other names: short protein forms L225F.
Identifiers: ClinVar variation 1712168 (VCV001712168.2), dbSNP rs2525256503, ClinGen allele CA342531818.

ClinVar aggregate classification (germline): Uncertain significance (1 of 4 stars; one submission).

Submission:

GeneDx
Classification: Uncertain significance. Last evaluated: 2022-04-19. Review status: criteria provided, single submitter. Criteria: GeneDx Variant Classification Process June 2021. Collection method: clinical testing. Allele origin: germline. Affected: yes.
Comment: Not observed at significant frequency in large population cohorts (gnomAD); In silico analysis supports that this missense variant does not alter protein structure/function; Has not been previously published as pathogenic or benign to our knowledge